The following is an entry in ClinVar:

ClinVar aggregate classification (germline): Uncertain significance (1 of 4 stars; one submission).

Conditions:
ERBB4-related disorder. Also called: ERBB4-related condition.

Allele frequency attached by ClinVar (database versions not stated): gnomAD exomes below 0.00001; TOPMed below 0.00001; ExAC 0.00001.
gnomAD v4.1: 4 of 1,614,134 alleles (0.00025%); highest among the groups gnomAD compares: Non-Finnish European, 0.00034%; no homozygotes.

Submission:

PreventionGenetics, part of Exact Sciences
Classification: Uncertain significance for ERBB4-related condition. Last evaluated: 2023-09-21. Review status: criteria provided, single submitter. Criteria: ACMG Guidelines, 2015. Collection method: clinical testing. Allele origin: germline.
Comment: The ERBB4 c.140G>A variant is predicted to result in the amino acid substitution p.Arg47Gln. To our knowledge, this variant has not been reported in the literature. This variant is reported in 0.00088% of alleles in individuals of European (Non-Finnish) descent in gnomAD. At this time, the clinical significance of this variant is uncertain due to the absence of conclusive functional and genetic evidence.

NM_005235.3(ERBB4):c.140G>A (p.Arg47Gln)

Gene: ERBB4 (erb-b2 receptor tyrosine kinase 4; minus strand). Cytogenetic location: 2q34.
Variant type: single nucleotide variant.
Coding change: c.140G>A on transcript NM_005235.3 (MANE Select); coding-DNA position 140, G replaced by A.
Protein change: p.Arg47Gln; replaces arginine 47 with glutamine.
Molecular consequence: missense variant.
Genome position (GRCh38, 1-based): chr2:212,124,846, C>T on the plus strand (G>A on the coding strand, the complement: ERBB4 is on the minus strand). VCF-style: chr2-212124846-C-T. GRCh37 (hg19) VCF-style: chr2-212989571-C-T.
Other names: c.140G>A, p.Arg47Gln (NM_001042599.2); short protein forms R47Q.
Identifiers: ClinVar variation 2629334 (VCV002629334.1), dbSNP rs748447524, ClinGen allele CA2088515.